The following is an entry in ClinVar:

NM_001267550.2(TTN):c.52552C>T (p.Arg17518Cys)

Genes: TTN (titin; minus strand), TTN-AS1 (TTN antisense RNA 1; plus strand), LOC126806425 (BRD4-independent group 4 enhancer GRCh37_chr2:179471933-179473132; plus strand). Cytogenetic location: 2q31.2.
Variant type: single nucleotide variant.
Coding change: c.52552C>T on transcript NM_001267550.2 (MANE Select); coding-DNA position 52552, C replaced by T.
Protein change: p.Arg17518Cys; replaces arginine 17518 with cysteine.
Molecular consequence: missense variant.
Genome position (GRCh38, 1-based): chr2:178,608,331, G>A on the plus strand (C>T on the coding strand, the complement: TTN is on the minus strand). VCF-style: chr2-178608331-G-A. GRCh37 (hg19) VCF-style: chr2-179473058-G-A.
Other names: c.47629C>T, p.Arg15877Cys (NM_001256850.1); c.25357C>T, p.Arg8453Cys (NM_003319.4); c.44848C>T, p.Arg14950Cys (NM_133378.4); c.25732C>T, p.Arg8578Cys (NM_133432.3); c.25933C>T, p.Arg8645Cys (NM_133437.4); short protein forms R14950C, R17518C, R15877C, R8578C, R8453C, R8645C.
Identifiers: ClinVar variation 191948 (VCV000191948.4), dbSNP rs200974180, ClinGen allele CA237939.
Genomic context (GRCh38, chr2:178,608,331, plus strand): 5'-GTCCTTCTAATAAGCCATCTACATTGGCTTTCAAGGCATTCAGAAGGCTTTTGTTGACAC[G>A]AGACCAATGTGTACTGTTAACTTCACGTTTTTCAAGCCAGTAACCCAAAATGGGGCTTCC-3'
Protein context (NP_001254479.2, residues 17508-17528): KREVNSTHWS[Arg17518Cys]VNKSLLNALK

ClinVar aggregate classification (germline): Uncertain significance. Review status: criteria provided, single submitter (1 of 4 stars). 3 submissions from 3 submitters: Uncertain significance (1). 2 of the submissions do not count toward it. Last evaluated 2013-06-24.

Allele frequency attached by ClinVar (database versions not stated): gnomAD 0.00001; gnomAD exomes 0.00001 and below 0.00001; TOPMed below 0.00001.
gnomAD v4.1: 9 of 1,612,250 alleles (0.00056%); highest among the groups gnomAD compares: Non-Finnish European, 0.00076%; no homozygotes.

Submissions (3):

Biesecker Lab/Clinical Genomics Section, National Institutes of Health
Classification: Uncertain significance. Last evaluated: 2013-06-24. Review status: criteria provided, single submitter. Criteria: Ng et al. (Circ Cardiovasc Genet. 2013). Collection method: research. Allele origin: unknown. Observed: 1 variant allele. Study: ClinSeq.
Comment: The study set was not selected for affection status in relation to any cancer. Pathogenicity categories were based on literature curation. See Pubmed ID:23861362 for details.

Medical sequencing

Clinical Genetics, Academic Medical Center
Classification: Uncertain significance. Review status: no assertion criteria provided. Collection method: clinical testing. Allele origin: germline. Affected: yes. Study: VKGL Data-share Consensus. Not counted in ClinVar's aggregate classification.

Joint Genome Diagnostic Labs from Nijmegen and Maastricht, Radboudumc and MUMC+
Classification: Uncertain significance. Review status: no assertion criteria provided. Collection method: clinical testing. Allele origin: germline. Affected: yes. Study: VKGL Data-share Consensus. Not counted in ClinVar's aggregate classification.